The following is an entry in ClinVar:

NM_021098.3(CACNA1H):c.6197G>C (p.Ser2066Thr)

Gene: CACNA1H (calcium voltage-gated channel subunit alpha1 H; plus strand). Cytogenetic location: 16p13.3.
Variant type: single nucleotide variant.
Coding change: c.6197G>C on transcript NM_021098.3 (MANE Select); coding-DNA position 6197, G replaced by C.
Protein change: p.Ser2066Thr; replaces serine 2066 with threonine.
Molecular consequence: missense variant.
Genome position (GRCh38, 1-based): chr16:1,220,129, G>C. VCF-style: chr16-1220129-G-C. GRCh37 (hg19) VCF-style: chr16-1270129-G-C.
Other names: c.6179G>C, p.Ser2060Thr (NM_001005407.2); short protein forms S2066T, S2060T.
Identifiers: ClinVar variation 529566 (VCV000529566.13), dbSNP rs369917102, ClinGen allele CA7802261.

ClinVar aggregate classification (germline): Conflicting classifications of pathogenicity. Review status: criteria provided, conflicting classifications (1 of 4 stars). 4 submissions from 4 submitters: Uncertain significance (2); Likely benign (1). 1 of the submissions does not count toward it. Last evaluated 2024-03-03.

Conditions:
Epilepsy, childhood absence, susceptibility to, 6. Identifiers: Orphanet 64280, MedGen C2749872, MONDO:0012763, OMIM 611942.
Hyperaldosteronism, familial, type IV (HALD4). Also called: FH IV; ALDOSTERONISM, PRIMARY, AND HYPERTENSION. Identifiers: Orphanet 642671, MedGen C4310756, MONDO:0014875, OMIM 617027.
CACNA1H-related disorder.
Idiopathic generalized epilepsy. Also called: EIG; Generalised epilepsy. Identifiers: MedGen C0270850, MONDO:0005579, OMIM 600669.

Allele frequency attached by ClinVar (database versions not stated): gnomAD exomes 0.00002; ExAC 0.00003; gnomAD 0.00003; TOPMed 0.00003; ESP Exome Variant Server 0.00008.
gnomAD v4.1: 70 of 1,494,416 alleles (0.0047%); highest among the groups gnomAD compares: Non-Finnish European, 0.0061%; no homozygotes.

Submissions (4):

Labcorp Genetics (formerly Invitae), Labcorp
Classification: Likely benign for Idiopathic generalized epilepsy; Hyperaldosteronism, familial, type IV. Last evaluated: 2024-03-03. Review status: criteria provided, single submitter. Criteria: Invitae Variant Classification Sherloc (09022015). Collection method: clinical testing. Allele origin: germline.

Fulgent Genetics
Classification: Uncertain significance for Epilepsy, childhood absence, susceptibility to, 6; Hyperaldosteronism, familial, type IV. Last evaluated: 2022-02-22. Review status: criteria provided, single submitter. Criteria: ACMG Guidelines, 2015. Collection method: clinical testing. Allele origin: unknown.

New York Genome Center
Classification: Uncertain significance for Epilepsy, childhood absence, susceptibility to, 6. Last evaluated: 2022-01-21. Review status: criteria provided, single submitter. Criteria: NYGC Assertion Criteria 2020. Collection method: clinical testing. Allele origin: inherited. Observed: 1 heterozygote. Study: CSER-NYCKidSeq.

PreventionGenetics, part of Exact Sciences
Classification: Uncertain significance for CACNA1H-related condition. Last evaluated: 2023-10-29. Review status: no assertion criteria provided. Collection method: clinical testing. Allele origin: germline. Not counted in ClinVar's aggregate classification.
Comment: The CACNA1H c.6197G>C variant is predicted to result in the amino acid substitution p.Ser2066Thr. To our knowledge, this variant has not been reported in the literature. This variant is reported in 0.0046% of alleles in individuals of European (Non-Finnish) descent in gnomAD. At this time, the clinical significance of this variant is uncertain due to the absence of conclusive functional and genetic evidence.